The following is an entry in ClinVar:

NM_020822.3(KCNT1):c.254+20T>C

Gene: KCNT1 (potassium sodium-activated channel subfamily T member 1; plus strand). Cytogenetic location: 9q34.3.
Variant type: single nucleotide variant.
Coding change: c.254+20T>C on transcript NM_020822.3 (MANE Select); 20 bases into the intron after coding-DNA position 254, T replaced by C.
Molecular consequence: intron variant.
Genome position (GRCh38, 1-based): chr9:135,714,740, T>C. VCF-style: chr9-135714740-T-C. GRCh37 (hg19) VCF-style: chr9-138606586-T-C.
Other names: c.110+12372T>C (NM_001272003.2).
Identifiers: ClinVar variation 286134 (VCV000286134.18), dbSNP rs2385007, ClinGen allele CA5326317.

ClinVar aggregate classification (germline): Benign. Review status: criteria provided, multiple submitters, no conflicts (2 of 4 stars). 8 submissions from 7 submitters: Benign (8). Last evaluated 2026-02-04.

Conditions:
Developmental and epileptic encephalopathy, 14 (DEE14). Also called: Early infantile epileptic encephalopathy 14. Identifiers: Orphanet 293181, MedGen C3554195, MONDO:0013989, OMIM 614959.
Autosomal dominant nocturnal frontal lobe epilepsy 5. Also called: Epilepsy, nocturnal frontal lobe, 5; KCNT1-Related Epilepsy; CILIARY DYSKINESIA, PRIMARY, 28, WITHOUT SITUS INVERSUS; CILIARY DYSKINESIA, PRIMARY, 28, WITH SITUS INVERSUS. Identifiers: Orphanet 98784, MedGen C3554306, MONDO:0014002, OMIM 615005.

Allele frequency attached by ClinVar (database versions not stated): ESP Exome Variant Server 0.10028; gnomAD 0.27833 and 0.27844; TOPMed 0.28432; 1000 Genomes Project 0.31629; 1000 Genomes Project 30x 0.31855.
gnomAD v4.1: 302,649 of 1,294,532 alleles (23%); highest among the groups gnomAD compares: African/African-American, 41%; 36,963 homozygotes.

Submissions (8):

Labcorp Genetics (formerly Invitae), Labcorp
Classification: Benign for Autosomal dominant nocturnal frontal lobe epilepsy 5; Developmental and epileptic encephalopathy, 14. Last evaluated: 2026-02-04. Review status: criteria provided, single submitter. Criteria: Invitae Variant Classification Sherloc (09022015). Collection method: clinical testing. Allele origin: germline.

Blueprint Genetics
Classification: Benign. Last evaluated: 2024-11-27. Review status: criteria provided, single submitter. Criteria: ACMG Guidelines, 2015. Collection method: clinical testing. Allele origin: germline.

Unidad de Genómica Garrahan, Hospital de Pediatría Garrahan
Classification: Benign. Last evaluated: 2024-07-15. Review status: criteria provided, single submitter. Criteria: ACMG Guidelines, 2015. Collection method: clinical testing. Allele origin: germline. Affected: no. Observed: 42 variant alleles.
Comment: This variant is classified as Benign based on local population frequency. This variant was detected in 45% of patients studied in a panel designed for Epileptic and Developmental Encephalopathy and Progressive Myoclonus Epilepsy. Number of patients: 42. Only high quality variants are reported.

Genome-Nilou Lab
Classification: Benign for Developmental and epileptic encephalopathy, 14. Last evaluated: 2021-08-19. Review status: criteria provided, single submitter. Criteria: ACMG Guidelines, 2015. Collection method: clinical testing. Allele origin: germline. Affected: no.

Genome-Nilou Lab
Classification: Benign for Autosomal dominant nocturnal frontal lobe epilepsy 5. Last evaluated: 2021-08-19. Review status: criteria provided, single submitter. Criteria: ACMG Guidelines, 2015. Collection method: clinical testing. Allele origin: germline. Affected: no.

Eurofins Ntd Llc (ga)
Classification: Benign. Last evaluated: 2016-02-05. Review status: criteria provided, single submitter. Criteria: EGL Classification Definitions 2015. Collection method: clinical testing. Allele origin: germline. Observed: 2 variant alleles, 2 heterozygotes.

GeneDx
Classification: Benign. Last evaluated: 2016-01-04. Review status: criteria provided, single submitter. Criteria: GeneDx Variant Classification (06012015). Collection method: clinical testing. Allele origin: germline. Affected: yes.
Comment: This variant is considered likely benign or benign based on one or more of the following criteria: it is a conservative change, it occurs at a poorly conserved position in the protein, it is predicted to be benign by multiple in silico algorithms, and/or has population frequency not consistent with disease.

Breakthrough Genomics
Classification: Benign. Review status: criteria provided, single submitter. Criteria: ACMG Guidelines, 2015. Collection method: not provided. Allele origin: germline. Inheritance: Autosomal dominant inheritance. Affected: yes.